The following is an entry in ClinVar:

NM_014991.6(WDFY3):c.8494T>C (p.Trp2832Arg)

Gene: WDFY3 (WD repeat and FYVE domain containing 3; minus strand). Cytogenetic location: 4q21.23.
Variant type: single nucleotide variant.
Coding change: c.8494T>C on transcript NM_014991.6 (MANE Select); coding-DNA position 8494, T replaced by C.
Protein change: p.Trp2832Arg; replaces tryptophan 2832 with arginine.
Molecular consequence: missense variant.
Genome position (GRCh38, 1-based): chr4:84,702,455, A>G on the plus strand (T>C on the coding strand, the complement: WDFY3 is on the minus strand). VCF-style: chr4-84702455-A-G. GRCh37 (hg19) VCF-style: chr4-85623608-A-G.
Other names: short protein forms W2832R.
Identifiers: ClinVar variation 4282265 (VCV004282265.1).

ClinVar aggregate classification (germline): Uncertain significance (1 of 4 stars; one submission).

Submission:

GeneDx
Classification: Uncertain significance. Last evaluated: 2025-04-16. Review status: criteria provided, single submitter. Criteria: GeneDx Variant Classification Process June 2021. Collection method: clinical testing. Allele origin: germline. Affected: yes.
Comment: Not observed at significant frequency in large population cohorts (gnomAD); In silico analysis supports that this missense variant has a deleterious effect on protein structure/function; Has not been previously published as pathogenic or benign to our knowledge